The following is an entry in ClinVar:

NM_005744.5(ARIH1):c.249_260dup (p.Gly90_Pro91insGlyGlyGlyGly)

Gene: ARIH1 (ariadne RBR E3 ubiquitin protein ligase 1; plus strand). Cytogenetic location: 15q24.1.
Variant type: Duplication.
Coding change: c.249_260dup on transcript NM_005744.5 (MANE Select); coding-DNA positions 249 to 260, 12 bases duplicated (CGGCGGCGGTGG).
Protein change: p.Gly90_Pro91insGlyGlyGlyGly.
Molecular consequence: inframe insertion.
Genome position (GRCh38, 1-based): chr15:72,474,888-72,474,899, CGGCGGCGGTGG duplicated; duplicating any 12 consecutive bases within chr15:72,474,886-72,474,899 gives the same sequence; the c. name uses the placement nearest the transcript's 3' end. VCF-style (leftmost placement, unchanged base first): chr15-72474885-C-CGGCGGCGGCGGT. GRCh37 (hg19) VCF-style: chr15-72767226-C-CGGCGGCGGCGGT.
Identifiers: ClinVar variation 2714925 (VCV002714925.3), dbSNP rs751612173, ClinGen allele CA715483978.

ClinVar aggregate classification (germline): Uncertain significance (1 of 4 stars; one submission).

Submission:

Labcorp Genetics (formerly Invitae), Labcorp
Classification: Uncertain significance. Last evaluated: 2025-06-12. Review status: criteria provided, single submitter. Criteria: Invitae Variant Classification Sherloc (09022015). Collection method: clinical testing. Allele origin: germline.
Comment: This variant, c.249_260dup, results in the insertion of 4 amino acid(s) of the ARIH1 protein (p.Gly87_Gly90dup), but otherwise preserves the integrity of the reading frame. This variant is not present in population databases (gnomAD no frequency). This variant has not been reported in the literature in individuals affected with ARIH1-related conditions. ClinVar contains an entry for this variant (Variation ID: 2714925). In summary, the available evidence is currently insufficient to determine the role of this variant in disease. Therefore, it has been classified as a Variant of Uncertain Significance.